The following is an entry in ClinVar:

ClinVar aggregate classification (germline): Pathogenic (1 of 4 stars; one submission).

Conditions:
Mitochondrial complex IV deficiency, nuclear type 1 (MC4DN1). Also called: Mitochondrial complex IV deficiency; Complex 4 mitochondrial respiratory chain deficiency; Deficiency of mitochondrial respiratory chain complex4; Complex IV deficiency; COX DEFICIENCY. Identifiers: MedGen C5435656, MONDO:0700250, OMIM 220110. Disease mechanism: loss of function.

Submission:

Baylor Genetics
Classification: Pathogenic for Mitochondrial complex IV deficiency, nuclear type 1. Last evaluated: 2018-04-17. Review status: criteria provided, single submitter. Criteria: ACMG Guidelines, 2015. Collection method: clinical testing. Allele origin: unknown. Affected: yes.
Comment: This variant was determined to be pathogenic according to ACMG Guidelines, 2015 [PMID:25741868].

NM_016360.4(TACO1):c.97dup (p.Arg33fs)

Gene: TACO1 (translational activator of cytochrome c oxidase I; plus strand). Cytogenetic location: 17q23.3.
Variant type: Duplication.
Coding change: c.97dup on transcript NM_016360.4 (MANE Select); coding-DNA position 97, one base duplicated (C; older notation c.97dupC).
Protein change: p.Arg33fs; shifts the reading frame from arginine 33.
Molecular consequence: frameshift variant.
Genome position (GRCh38, 1-based): chr17:63,601,180, C duplicated; the last of 5 consecutive C bases (chr17:63,601,176-63,601,180); duplicating any one gives the same sequence. VCF-style (leftmost placement, unchanged base first): chr17-63601175-A-AC. GRCh37 (hg19) VCF-style: chr17-61678534-A-AC.
Other names: short protein forms R33fs.
Identifiers: ClinVar variation 1033410 (VCV001033410.1), dbSNP rs759254294, ClinGen allele CA8702038.